The following is an entry in ClinVar:

ClinVar aggregate classification (germline): Uncertain significance. Review status: criteria provided, multiple submitters, no conflicts (2 of 4 stars). 2 submissions from 2 submitters: Uncertain significance (2). Last evaluated 2024-05-02.

Conditions:
Early-onset Lafora body disease. Also called: Epilepsy, progressive myoclonic, 10. Identifiers: Orphanet 324290, MedGen C4225258, MONDO:0014717, OMIM 616640.

Allele frequency attached by ClinVar (database versions not stated): TOPMed below 0.00001; gnomAD exomes 0.00002; gnomAD 0.00001; ExAC 0.00002.
gnomAD v4.1: 33 of 1,613,960 alleles (0.002%); highest among the groups gnomAD compares: Non-Finnish European, 0.0028%; no homozygotes.

Submissions (2):

Ambry Genetics
Classification: Uncertain significance. Last evaluated: 2024-05-02. Review status: criteria provided, single submitter. Criteria: Ambry Variant Classification Scheme 2023. Collection method: clinical testing. Allele origin: germline.

Labcorp Genetics (formerly Invitae), Labcorp
Classification: Uncertain significance for Early-onset Lafora body disease. Last evaluated: 2020-07-14. Review status: criteria provided, single submitter. Criteria: Invitae Variant Classification Sherloc (09022015). Collection method: clinical testing. Allele origin: germline.
Comment: In summary, the available evidence is currently insufficient to determine the role of this variant in disease. Therefore, it has been classified as a Variant of Uncertain Significance. Algorithms developed to predict the effect of missense changes on protein structure and function are either unavailable or do not agree on the potential impact of this missense change (SIFT: "Deleterious"; PolyPhen-2: "Possibly Damaging"; Align-GVGD: "Class C0"). This variant has not been reported in the literature in individuals with PRDM8-related conditions. This variant is present in population databases (rs765881338, ExAC 0.004%). This sequence change replaces proline with serine at codon 43 of the PRDM8 protein (p.Pro43Ser). The proline residue is highly conserved and there is a moderate physicochemical difference between proline and serine.

NM_001099403.2(PRDM8):c.127C>T (p.Pro43Ser)

Gene: PRDM8 (PR/SET domain 8; plus strand). Cytogenetic location: 4q21.21.
Variant type: single nucleotide variant.
Coding change: c.127C>T on transcript NM_001099403.2 (MANE Select); coding-DNA position 127, C replaced by T.
Protein change: p.Pro43Ser; replaces proline 43 with serine.
Molecular consequence: missense variant.
Genome position (GRCh38, 1-based): chr4:80,200,207, C>T. VCF-style: chr4-80200207-C-T. GRCh37 (hg19) VCF-style: chr4-81121361-C-T.
Other names: c.127C>T, p.Pro43Ser (NM_020226.4); c.127C>T (NM_020226.3); short protein forms P43S.
Identifiers: ClinVar variation 1007616 (VCV001007616.9), dbSNP rs765881338, ClinGen allele CA2982134.
Genomic context (GRCh38, chr4:80,200,207, plus strand): 5'-ACAGATATTTTTACCAGCGTTTACACCACCTGCGACATCCCTGAGAATGCTATATTTGGT[C>T]CCTGTGTCCTGAGCCATACTTCCCTATATGACAGCATAGCTTTCATAGCTCTCAAGTCTA-3'
Protein context (NP_001092873.1, residues 33-53): CDIPENAIFG[Pro43Ser]CVLSHTSLYD